The following is an entry in ClinVar:

NM_001009944.3(PKD1):c.2395C>T (p.Arg799Trp)

Gene: PKD1 (polycystin 1, transient receptor potential channel interacting; minus strand). Cytogenetic location: 16p13.3.
Variant type: single nucleotide variant.
Coding change: c.2395C>T on transcript NM_001009944.3 (MANE Select); coding-DNA position 2395, C replaced by T.
Protein change: p.Arg799Trp; replaces arginine 799 with tryptophan.
Molecular consequence: missense variant.
Genome position (GRCh38, 1-based): chr16:2,114,628, G>A on the plus strand (C>T on the coding strand, the complement: PKD1 is on the minus strand). VCF-style: chr16-2114628-G-A. GRCh37 (hg19) VCF-style: chr16-2164629-G-A.
Other names: c.2395C>T (NM_000296.3); c.2395C>T, p.Arg799Trp (NM_000296.4); short protein forms R799W.
Identifiers: ClinVar variation 3771422 (VCV003771422.13).

ClinVar aggregate classification (germline): Conflicting classifications of pathogenicity. Review status: criteria provided, conflicting classifications (1 of 4 stars). 2 submissions from 2 submitters: Uncertain significance (1); Likely benign (1). Last evaluated 2025-11-24.

Conditions:
Inborn genetic diseases. Identifiers: MedGen C0950123, MeSH D030342.

gnomAD v4.1: 49 of 1,570,772 alleles (0.0031%); highest among the groups gnomAD compares: South Asian, 0.026%; no homozygotes.

Submissions (2):

Ambry Genetics
Classification: Uncertain significance for Inborn genetic diseases. Last evaluated: 2025-11-24. Review status: criteria provided, single submitter. Criteria: Ambry Variant Classification Scheme 2023. Collection method: clinical testing. Allele origin: germline.

CeGaT Center for Human Genetics Tuebingen
Classification: Likely benign. Last evaluated: 2024-12-01. Review status: criteria provided, single submitter. Criteria: CeGaT Center For Human Genetics Tuebingen Variant Classification Criteria Version 2. Collection method: clinical testing. Allele origin: germline. Affected: yes. Observed: 1 variant allele.
Comment: PKD1: BP4